The following is an entry in ClinVar:

NM_021625.5(TRPV4):c.2459-48C>G

Gene: TRPV4 (transient receptor potential cation channel subfamily V member 4; minus strand). Cytogenetic location: 12q24.11.
Variant type: single nucleotide variant.
Coding change: c.2459-48C>G on transcript NM_021625.5 (MANE Select); 48 bases into the intron before coding-DNA position 2459, C replaced by G.
Molecular consequence: intron variant.
Genome position (GRCh38, 1-based): chr12:109,783,826, G>C on the plus strand (C>G on the coding strand, the complement: TRPV4 is on the minus strand). VCF-style: chr12-109783826-G-C. GRCh37 (hg19) VCF-style: chr12-110221631-G-C.
Other names: c.2138-48C>G (NM_001177433.1); c.2318-48C>G (NM_001177428.1); c.2279-48C>G (NM_147204.2); c.2357-48C>G (NM_001177431.1).
Identifiers: ClinVar variation 261417 (VCV000261417.3), dbSNP rs10774894, ClinGen allele CA6779896.
Genomic context (GRCh38, chr12:109,783,826, plus strand): 5'-GAGGACCAGCGATCTGCACCGAGAGCACATCAGAGGGAGGGGTGGGGGTTGGTGGAGAGA[G>C]AGCGTGCGTATATTGAGTGCCTACTGTGTACTGGGCACTCCACAGTGTTCTGAAGGGGGG-3'

ClinVar aggregate classification (germline): Benign. Review status: criteria provided, multiple submitters, no conflicts (2 of 4 stars). 3 submissions from 3 submitters: Benign (3). Last evaluated 2018-06-14.

Allele frequency attached by ClinVar (database versions not stated): gnomAD 0.48724; ESP Exome Variant Server 0.47609; TOPMed 0.49690; 1000 Genomes Project 30x 0.55200; 1000 Genomes Project 0.56190.
gnomAD v4.1: 813,777 of 1,601,946 alleles (51%); highest among the groups gnomAD compares: East Asian, 76%; 209,442 homozygotes.

Submissions (3):

GeneDx
Classification: Benign. Last evaluated: 2018-06-14. Review status: criteria provided, single submitter. Criteria: GeneDx Variant Classification (06012015). Collection method: clinical testing. Allele origin: germline. Affected: yes.
Comment: This variant is considered likely benign or benign based on one or more of the following criteria: it is a conservative change, it occurs at a poorly conserved position in the protein, it is predicted to be benign by multiple in silico algorithms, and/or has population frequency not consistent with disease.

Breakthrough Genomics
Classification: Benign. Review status: criteria provided, single submitter. Criteria: ACMG Guidelines, 2015. Collection method: not provided. Allele origin: germline. Inheritance: Autosomal dominant inheritance. Affected: yes.

PreventionGenetics, part of Exact Sciences
Classification: Benign. Review status: criteria provided, single submitter. Criteria: ACMG Guidelines, 2015. Collection method: clinical testing. Allele origin: germline.